The following is an entry in ClinVar:

NM_004247.4(EFTUD2):c.2153del (p.Phe718fs)

Gene: EFTUD2 (elongation factor Tu GTP binding domain containing 2; minus strand). Cytogenetic location: 17q21.31.
Variant type: Deletion.
Coding change: c.2153del on transcript NM_004247.4 (MANE Select); coding-DNA position 2153, one base deleted (T; older notation c.2153delT).
Protein change: p.Phe718fs; shifts the reading frame from phenylalanine 718.
Molecular consequence: frameshift variant.
Genome position (GRCh38, 1-based): chr17:44,854,662, A deleted on the plus strand (T on the coding strand, the reverse complement: EFTUD2 is on the minus strand); the first of 2 consecutive A bases (chr17:44,854,662-44,854,663); deleting either gives the same sequence. VCF-style (leftmost placement, unchanged base first): chr17-44854661-GA-G. GRCh37 (hg19) VCF-style: chr17-42932029-GA-G.
Other names: c.2048del, p.Phe683fs (NM_001142605.2); c.2153del, p.Phe718fs (NM_001258353.2); c.2123del, p.Phe708fs (NM_001258354.2); short protein forms F718fs, F683fs, F708fs.
Identifiers: ClinVar variation 4088089 (VCV004088089.1).

ClinVar aggregate classification (germline): Pathogenic (1 of 4 stars; one submission).

Submission:

GeneDx
Classification: Pathogenic. Last evaluated: 2025-03-29. Review status: criteria provided, single submitter. Criteria: GeneDx Variant Classification Process June 2021. Collection method: clinical testing. Allele origin: germline. Affected: yes.
Comment: Frameshift variant predicted to result in protein truncation or nonsense mediated decay in a gene for which loss of function is a known mechanism of disease; Not observed at significant frequency in large population cohorts (gnomAD); Has not been previously published as pathogenic or benign to our knowledge